The following is an entry in ClinVar:

ClinVar aggregate classification (germline): Benign (1 of 4 stars; one submission).

Conditions:
Desmosterolosis. Identifiers: Orphanet 35107, MedGen C1865596, MONDO:0011217, OMIM 602398.

Allele frequency attached by ClinVar (database versions not stated): gnomAD 0.00027 and 0.00116; TOPMed 0.00048; gnomAD exomes 0.00051; 1000 Genomes Project 30x 0.00578; 1000 Genomes Project 0.00639.
gnomAD v4.1: 179 of 154,296 alleles (0.12%); highest among the groups gnomAD compares: South Asian, 2.8%; 1 homozygote.

Submission:

Illumina Laboratory Services, Illumina
Classification: Benign for Desmosterolosis. Last evaluated: 2018-01-13. Review status: criteria provided, single submitter. Criteria: ICSL Variant Classification Criteria 13 December 2019. Collection method: clinical testing. Allele origin: germline.
Comment: This variant was observed in the ICSL laboratory as part of a predisposition screen in an ostensibly healthy population. It had not been previously curated by ICSL or reported in the Human Gene Mutation Database (HGMD: prior to June 1st, 2018), and was therefore a candidate for classification through an automated scoring system. Utilizing variant allele frequency, disease prevalence and penetrance estimates, and inheritance mode, an automated score was calculated to assess if this variant is too frequent to cause the disease. Based on the score and internal cut-off values, a variant classified as benign is not then subjected to further curation. The score for this variant resulted in a classification of benign for this disease.

NM_014762.4(DHCR24):c.*653G>A

Gene: DHCR24 (24-dehydrocholesterol reductase; minus strand). Cytogenetic location: 1p32.3.
Variant type: single nucleotide variant.
Coding change: c.*653G>A on transcript NM_014762.4 (MANE Select); 653 bases downstream of the stop codon, G replaced by A.
Molecular consequence: 3 prime UTR variant.
Genome position (GRCh38, 1-based): chr1:54,851,580, C>T on the plus strand (G>A on the coding strand, the complement: DHCR24 is on the minus strand). VCF-style: chr1-54851580-C-T. GRCh37 (hg19) VCF-style: chr1-55317253-C-T.
Identifiers: ClinVar variation 297637 (VCV000297637.5), dbSNP rs372344030, ClinGen allele CA10611248.